The following is an entry in ClinVar:

ClinVar aggregate classification (germline): Likely benign (1 of 4 stars; one submission).

Allele frequency attached by ClinVar (database versions not stated): ExAC 0.00008; ESP Exome Variant Server 0.00009; TOPMed 0.00009; gnomAD 0.00010.
gnomAD v4.1: 73 of 1,209,260 alleles (0.006%); highest among the groups gnomAD compares: Admixed American, 0.013%; 1 homozygote.

Submission:

CeGaT Center for Human Genetics Tuebingen
Classification: Likely benign. Last evaluated: 2023-02-01. Review status: criteria provided, single submitter. Criteria: CeGaT Center For Human Genetics Tuebingen Variant Classification Criteria Version 2. Collection method: clinical testing. Allele origin: germline. Affected: yes. Observed: 1 variant allele.
Comment: RAB41: BP4, BS2

NM_001363807.1(RAB41):c.124+7G>A

Gene: RAB41 (RAB41, member RAS oncogene family; plus strand). Cytogenetic location: Xq13.1.
Variant type: single nucleotide variant.
Coding change: c.124+7G>A on transcript NM_001363807.1 (MANE Select); 7 bases into the intron after coding-DNA position 124, G replaced by A.
Molecular consequence: intron variant.
Genome position (GRCh38, 1-based): chrX:70,282,348, G>A. VCF-style: chrX-70282348-G-A. GRCh37 (hg19) VCF-style: chrX-69502198-G-A.
Other names: c.124+7G>A (NM_001032726.3).
Identifiers: ClinVar variation 2660811 (VCV002660811.24), dbSNP rs371005848, ClinGen allele CA10440629.